The following is an entry in ClinVar:

NM_015001.3(SPEN):c.10026+7C>G

Gene: SPEN (spen family transcriptional repressor; plus strand). Cytogenetic location: 1p36.13.
Variant type: single nucleotide variant.
Coding change: c.10026+7C>G on transcript NM_015001.3 (MANE Select); 7 bases into the intron after coding-DNA position 10026, C replaced by G.
Molecular consequence: intron variant.
Genome position (GRCh38, 1-based): chr1:15,936,273, C>G. VCF-style: chr1-15936273-C-G. GRCh37 (hg19) VCF-style: chr1-16262768-C-G.
Identifiers: ClinVar variation 3050197 (VCV003050197.2), dbSNP rs189823158, ClinGen allele CA620627.

ClinVar aggregate classification (germline): Likely benign (0 of 4 stars; one submission).

Conditions:
SPEN-related disorder. Also called: SPEN-related condition.

Allele frequency attached by ClinVar (database versions not stated): ExAC 0.00036; gnomAD 0.00103; TOPMed 0.00104; 1000 Genomes Project 30x 0.00109; 1000 Genomes Project 0.00120; ESP Exome Variant Server 0.00123.
gnomAD v4.1: 280 of 1,530,194 alleles (0.018%); highest among the groups gnomAD compares: African/African-American, 0.35%; no homozygotes.

Submission:

PreventionGenetics, part of Exact Sciences
Classification: Likely benign for SPEN-related condition. Last evaluated: 2019-07-12. Review status: no assertion criteria provided. Collection method: clinical testing. Allele origin: germline.
Comment: This variant is classified as likely benign based on ACMG/AMP sequence variant interpretation guidelines (Richards et al. 2015 PMID: 25741868, with internal and published modifications).